The following is an entry in ClinVar:

ClinVar aggregate classification (germline): Uncertain significance (1 of 4 stars; one submission).

Conditions:
Seizures, benign familial infantile, 3 (BFIS3). Also called: Familial neonatal seizures; CONVULSIONS, BENIGN FAMILIAL INFANTILE, 3. Identifiers: Orphanet 140927, Orphanet 306, MedGen C1843140, MONDO:0011904, OMIM 607745.
Developmental and epileptic encephalopathy, 11 (DEE11). Also called: Early infantile epileptic encephalopathy 11. Identifiers: Orphanet 1934, MedGen C3150987, MONDO:0013388, OMIM 613721.

Submission:

Labcorp Genetics (formerly Invitae), Labcorp
Classification: Uncertain significance for Seizures, benign familial infantile, 3; Developmental and epileptic encephalopathy, 11. Last evaluated: 2022-04-04. Review status: criteria provided, single submitter. Criteria: Invitae Variant Classification Sherloc (09022015). Collection method: clinical testing. Allele origin: germline.
Comment: In summary, the available evidence is currently insufficient to determine the role of this variant in disease. Therefore, it has been classified as a Variant of Uncertain Significance. Experimental studies and prediction algorithms are not available or were not evaluated, and the functional significance of this variant is currently unknown. This variant has not been reported in the literature in individuals affected with SCN2A-related conditions. This variant results in a copy number gain of the genomic region encompassing exon(s) 20 of the SCN2A gene. While the exact position of this variant cannot be determined from the data, sub-genic copy number gains are generally in tandem (PMID: 25640679). This variant is predicted to be in-frame, and likely preserves the integrity of the reading frame.

Literature cited by the submitters: PubMed 25640679.

NC_000002.11:g.(?_166226616)_(166226829_?)dup

Gene: SCN2A (sodium voltage-gated channel alpha subunit 2; plus strand). Cytogenetic location: 2q24.3.
Variant type: Duplication.
Identifiers: ClinVar variation 2426642 (VCV002426642.6).